The following is an entry in ClinVar:

ClinVar aggregate classification (germline): Uncertain significance (1 of 4 stars; one submission).

Submission:

GeneDx
Classification: Uncertain significance. Last evaluated: 2019-07-01. Review status: criteria provided, single submitter. Criteria: GeneDx Variant Classification Process June 2021. Collection method: clinical testing. Allele origin: germline. Affected: yes.
Comment: Not observed in large population cohorts (Lek et al., 2016); In silico analysis, which includes protein predictors and evolutionary conservation, supports that this variant does not alter protein structure/function; Has not been previously published as pathogenic or benign to our knowledge

NM_001270.4(CHD1):c.3541A>G (p.Lys1181Glu)

Gene: CHD1 (chromodomain helicase DNA binding protein 1; minus strand). Cytogenetic location: 5q15.
Variant type: single nucleotide variant.
Coding change: c.3541A>G on transcript NM_001270.4 (MANE Select); coding-DNA position 3541, A replaced by G.
Protein change: p.Lys1181Glu; replaces lysine 1181 with glutamic acid.
Molecular consequence: missense variant. On other transcripts: non-coding transcript variant (2).
Genome position (GRCh38, 1-based): chr5:98,873,623, T>C on the plus strand (A>G on the coding strand, the complement: CHD1 is on the minus strand). VCF-style: chr5-98873623-T-C. GRCh37 (hg19) VCF-style: chr5-98209327-T-C.
Other names: c.3541A>G, p.Lys1181Glu (NM_001364113.3, NM_001376194.2); short protein forms K1181E.
Identifiers: ClinVar variation 1302231 (VCV001302231.2), dbSNP rs2112334479, ClinGen allele CA360524203.